The following is an entry in ClinVar:

NM_022455.5(NSD1):c.887C>T (p.Pro296Leu)

Gene: NSD1 (nuclear receptor binding SET domain protein 1; plus strand). Cytogenetic location: 5q35.3.
Variant type: single nucleotide variant.
Coding change: c.887C>T on transcript NM_022455.5 (MANE Select); coding-DNA position 887, C replaced by T.
Protein change: p.Pro296Leu; replaces proline 296 with leucine.
Molecular consequence: missense variant.
Genome position (GRCh38, 1-based): chr5:177,135,990, C>T. VCF-style: chr5-177135990-C-T. GRCh37 (hg19) VCF-style: chr5-176562991-C-T.
Other names: c.14C>T, p.Pro5Leu (NM_001365684.2, NM_001409305.1, NM_001409306.1 and 4 more transcripts); c.887C>T, p.Pro296Leu (NM_001409301.1, NM_001409302.1, NM_001409303.1); c.467C>T, p.Pro156Leu (NM_001409304.1); short protein forms P296L, P5L, P156L.
Identifiers: ClinVar variation 3690004 (VCV003690004.2).

ClinVar aggregate classification (germline): Uncertain significance (1 of 4 stars; one submission).

gnomAD v4.1: 1 of 1,614,054 alleles (0.000062%); highest among the groups gnomAD compares: Non-Finnish European, 0.000085%; no homozygotes.

Submission:

Labcorp Genetics (formerly Invitae), Labcorp
Classification: Uncertain significance. Last evaluated: 2025-06-11. Review status: criteria provided, single submitter. Criteria: Invitae Variant Classification Sherloc (09022015). Collection method: clinical testing. Allele origin: germline.
Comment: This sequence change replaces proline, which is neutral and non-polar, with leucine, which is neutral and non-polar, at codon 296 of the NSD1 protein (p.Pro296Leu). This variant is not present in population databases (gnomAD no frequency). This variant has not been reported in the literature in individuals affected with NSD1-related conditions. ClinVar contains an entry for this variant (Variation ID: 3690004). Invitae Evidence Modeling of protein sequence and biophysical properties (such as structural, functional, and spatial information, amino acid conservation, physicochemical variation, residue mobility, and thermodynamic stability) indicates that this missense variant is not expected to disrupt NSD1 protein function with a negative predictive value of 95%. In summary, the available evidence is currently insufficient to determine the role of this variant in disease. Therefore, it has been classified as a Variant of Uncertain Significance.